The following is an entry in ClinVar:

NM_020822.3(KCNT1):c.997A>T (p.Ile333Phe)

Gene: KCNT1 (potassium sodium-activated channel subfamily T member 1; plus strand). Cytogenetic location: 9q34.3.
Variant type: single nucleotide variant.
Coding change: c.997A>T on transcript NM_020822.3 (MANE Select); coding-DNA position 997, A replaced by T.
Protein change: p.Ile333Phe; replaces isoleucine 333 with phenylalanine.
Molecular consequence: missense variant.
Genome position (GRCh38, 1-based): chr9:135,759,821, A>T. VCF-style: chr9-135759821-A-T. GRCh37 (hg19) VCF-style: chr9-138651667-A-T.
Other names: c.862A>T, p.Ile288Phe (NM_001272003.2); short protein forms I288F, I333F.
Identifiers: ClinVar variation 2012778 (VCV002012778.4), dbSNP rs1831787938, ClinGen allele CA375498655.

ClinVar aggregate classification (germline): Uncertain significance (1 of 4 stars; one submission).

Conditions:
Autosomal dominant nocturnal frontal lobe epilepsy 5. Also called: CILIARY DYSKINESIA, PRIMARY, 28, WITH SITUS INVERSUS; CILIARY DYSKINESIA, PRIMARY, 28, WITHOUT SITUS INVERSUS; KCNT1-Related Epilepsy; Epilepsy, nocturnal frontal lobe, 5. Identifiers: Orphanet 98784, MedGen C3554306, MONDO:0014002, OMIM 615005.
Developmental and epileptic encephalopathy, 14 (DEE14). Also called: Early infantile epileptic encephalopathy 14. Identifiers: Orphanet 293181, MedGen C3554195, MONDO:0013989, OMIM 614959.

Submission:

Labcorp Genetics (formerly Invitae), Labcorp
Classification: Uncertain significance for Autosomal dominant nocturnal frontal lobe epilepsy 5; Developmental and epileptic encephalopathy, 14. Last evaluated: 2022-07-01. Review status: criteria provided, single submitter. Criteria: Invitae Variant Classification Sherloc (09022015). Collection method: clinical testing. Allele origin: germline.
Comment: This variant is not present in population databases (gnomAD no frequency). In summary, the available evidence is currently insufficient to determine the role of this variant in disease. Therefore, it has been classified as a Variant of Uncertain Significance. Algorithms developed to predict the effect of missense changes on protein structure and function are either unavailable or do not agree on the potential impact of this missense change (SIFT: "Deleterious"; PolyPhen-2: "Benign"; Align-GVGD: "Class C0"). This variant has not been reported in the literature in individuals affected with KCNT1-related conditions. This sequence change replaces isoleucine, which is neutral and non-polar, with phenylalanine, which is neutral and non-polar, at codon 333 of the KCNT1 protein (p.Ile333Phe).